The following is an entry in ClinVar:

ClinVar aggregate classification (germline): Uncertain significance (1 of 4 stars; one submission).

Conditions:
Mitochondrial complex I deficiency, nuclear type 5. Also called: Mitochondrial complex 1 deficiency, nuclear type 5. Identifiers: MedGen C4748754, MONDO:0032610, OMIM 618226.

Submission:

MVZ Medizinische Genetik Mainz
Classification: Uncertain significance for Mitochondrial complex I deficiency, nuclear type 5. Last evaluated: 2025-12-09. Review status: criteria provided, single submitter. Criteria: UK Practice Guidelines For Variant Classification V4 01 2020. Collection method: clinical testing. Allele origin: germline. Inheritance: Autosomal recessive inheritance. Affected: yes. Observed: 1 variant allele.
Comment: ACMG Criteria: PM2_SUP,PM3_SUP,PP3,PP4

NM_005006.7(NDUFS1):c.1133+5G>A

Gene: NDUFS1 (NADH:ubiquinone oxidoreductase core subunit S1; minus strand). Cytogenetic location: 2q33.3.
Variant type: single nucleotide variant.
Coding change: c.1133+5G>A on transcript NM_005006.7 (MANE Select); 5 bases into the intron after coding-DNA position 1133, G replaced by A.
Molecular consequence: intron variant.
Genome position (GRCh38, 1-based): chr2:206,142,681, C>T on the plus strand (G>A on the coding strand, the complement: NDUFS1 is on the minus strand). VCF-style: chr2-206142681-C-T. GRCh37 (hg19) VCF-style: chr2-207007405-C-T.
Other names: c.962+5G>A (NM_001199983.2); c.1025+5G>A (NM_001199981.2); c.1175+5G>A (NM_001199984.2); c.800+5G>A (NM_001199982.2).
Identifiers: ClinVar variation 4540405 (VCV004540405.1).